The following is an entry in ClinVar:

ClinVar aggregate classification (germline): Conflicting classifications of pathogenicity. Review status: criteria provided, conflicting classifications (1 of 4 stars). 3 submissions from 3 submitters: Uncertain significance (2); Likely benign (1). Last evaluated 2026-04-28.

Conditions:
Chédiak-Higashi syndrome (CHS). Also called: Chediak-Higashi Syndrome. Identifiers: Orphanet 167, MedGen C0007965, MONDO:0008963, OMIM 214500.
LYST-related disorder. Also called: LYST-related condition.

Allele frequency attached by ClinVar (database versions not stated): TOPMed below 0.00001; gnomAD 0.00001; gnomAD exomes 0.00001.
gnomAD v4.1: 18 of 1,613,970 alleles (0.0011%); highest among the groups gnomAD compares: Admixed American, 0.0067%; no homozygotes.

Submissions (3):

PreventionGenetics, part of Exact Sciences
Classification: Uncertain significance for LYST-related condition. Last evaluated: 2026-04-28. Review status: criteria provided, single submitter. Criteria: ACMG Guidelines, 2015. Collection method: clinical testing. Allele origin: germline.
Comment: The LYST c.581C>T variant is predicted to result in the amino acid substitution p.Ser194Leu. To our knowledge, this variant has not been reported in the literature. This variant is reported in 0.00088% of alleles in individuals of European (Non-Finnish) descent in gnomAD. At this time, the clinical significance of this variant is uncertain due to the absence of conclusive functional and genetic evidence.

Labcorp Genetics (formerly Invitae), Labcorp
Classification: Uncertain significance for Chédiak-Higashi syndrome. Last evaluated: 2025-12-15. Review status: criteria provided, single submitter. Criteria: Invitae Variant Classification Sherloc (09022015). Collection method: clinical testing. Allele origin: germline.
Comment: This sequence change replaces serine, which is neutral and polar, with leucine, which is neutral and non-polar, at codon 194 of the LYST protein (p.Ser194Leu). This variant is present in population databases (no rsID available, gnomAD 0.0009%). This variant has not been reported in the literature in individuals affected with LYST-related conditions. ClinVar contains an entry for this variant (Variation ID: 1442975). Invitae Evidence Modeling of protein sequence and biophysical properties (such as structural, functional, and spatial information, amino acid conservation, physicochemical variation, residue mobility, and thermodynamic stability) indicates that this missense variant is not expected to disrupt LYST protein function with a negative predictive value of 80%. In summary, the available evidence is currently insufficient to determine the role of this variant in disease. Therefore, it has been classified as a Variant of Uncertain Significance.

Blueprint Genetics
Classification: Likely benign. Last evaluated: 2023-02-17. Review status: criteria provided, single submitter. Criteria: ACMG Guidelines, 2015. Collection method: clinical testing. Allele origin: germline.

NM_000081.4(LYST):c.581C>T (p.Ser194Leu)

Gene: LYST (lysosomal trafficking regulator; minus strand). Cytogenetic location: 1q42.3.
Variant type: single nucleotide variant.
Coding change: c.581C>T on transcript NM_000081.4 (MANE Select); coding-DNA position 581, C replaced by T.
Protein change: p.Ser194Leu; replaces serine 194 with leucine.
Molecular consequence: missense variant.
Genome position (GRCh38, 1-based): chr1:235,810,237, G>A on the plus strand (C>T on the coding strand, the complement: LYST is on the minus strand). VCF-style: chr1-235810237-G-A. GRCh37 (hg19) VCF-style: chr1-235973537-G-A.
Other names: c.581C>T, p.Ser194Leu (NM_001301365.1); c.581C>T (NM_000081.3); short protein forms S194L.
Identifiers: ClinVar variation 1442975 (VCV001442975.7), dbSNP rs997647491, ClinGen allele CA344964905.